The following is an entry in ClinVar:

ClinVar aggregate classification (germline): Uncertain significance (1 of 4 stars; one submission).

Allele frequency attached by ClinVar (database versions not stated): gnomAD exomes 0.00001.
gnomAD v4.1: 3 of 1,604,708 alleles (0.00019%); highest among the groups gnomAD compares: Non-Finnish European, 0.00026%; no homozygotes.

Submission:

Labcorp Genetics (formerly Invitae), Labcorp
Classification: Uncertain significance. Last evaluated: 2022-09-07. Review status: criteria provided, single submitter. Criteria: Invitae Variant Classification Sherloc (09022015). Collection method: clinical testing. Allele origin: germline.
Comment: Variants that disrupt the consensus splice site are a relatively common cause of aberrant splicing (PMID: 17576681, 9536098). Algorithms developed to predict the effect of sequence changes on RNA splicing suggest that this variant is not likely to affect RNA splicing. In summary, the available evidence is currently insufficient to determine the role of this variant in disease. Therefore, it has been classified as a Variant of Uncertain Significance. This variant has not been reported in the literature in individuals affected with SRCAP-related conditions. The frequency data for this variant in the population databases is considered unreliable, as metrics indicate poor data quality at this position in the gnomAD database. This sequence change falls in intron 32 of the SRCAP gene. It does not directly change the encoded amino acid sequence of the SRCAP protein. It affects a nucleotide within the consensus splice site.

Literature cited by the submitters: PubMed 17576681; PubMed 9536098.

NM_006662.3(SRCAP):c.6924+3C>A

Gene: SRCAP (Snf2 related CREBBP activator protein; plus strand). Cytogenetic location: 16p11.2.
Variant type: single nucleotide variant.
Coding change: c.6924+3C>A on transcript NM_006662.3 (MANE Select); 3 bases into the intron after coding-DNA position 6924, C replaced by A.
Molecular consequence: intron variant.
Genome position (GRCh38, 1-based): chr16:30,736,397, C>A. VCF-style: chr16-30736397-C-A. GRCh37 (hg19) VCF-style: chr16-30747718-C-A.
Identifiers: ClinVar variation 2005290 (VCV002005290.4), dbSNP rs1233493668, ClinGen allele CA622169777.